The following is an entry in ClinVar:

NM_003285.3(TNR):c.861C>A (p.Tyr287Ter)

Gene: TNR (tenascin R; minus strand). Cytogenetic location: 1q25.1.
Variant type: single nucleotide variant.
Coding change: c.861C>A on transcript NM_003285.3 (MANE Select); coding-DNA position 861, C replaced by A.
Protein change: p.Tyr287Ter; replaces tyrosine 287 with a stop codon.
Molecular consequence: nonsense. On other transcripts: 5 prime UTR variant (1).
Genome position (GRCh38, 1-based): chr1:175,403,255, G>T on the plus strand (C>A on the coding strand, the complement: TNR is on the minus strand). VCF-style: chr1-175403255-G-T. GRCh37 (hg19) VCF-style: chr1-175372391-G-T.
Other names: c.-35C>A (NM_001328635.2); short protein forms Y287*.
Identifiers: ClinVar variation 4689372 (VCV004689372.1).

ClinVar aggregate classification (germline): Pathogenic (1 of 4 stars; one submission).

Conditions:
Neurodevelopmental disorder, nonprogressive, with spasticity and transient opisthotonus. Identifiers: MedGen C5562040, MONDO:0859212, OMIM 619653.

Submission:

Women's Health and Genetics/Laboratory Corporation of America, LabCorp
Classification: Pathogenic for Neurodevelopmental disorder, nonprogressive, with spasticity and transient opisthotonus. Last evaluated: 2026-01-27. Review status: criteria provided, single submitter. Criteria: LabCorp Variant Classification Summary - May 2015. Collection method: clinical testing. Allele origin: germline.
Comment: Variant summary: TNR c.861C>A (p.Tyr287X) results in a premature termination codon, predicted to cause a truncation of the encoded protein or absence of the protein due to nonsense mediated decay, which are commonly known mechanisms for disease. The variant was absent in 251380 control chromosomes. To our knowledge, no occurrence of c.861C>A in individuals affected with TNR-related conditions and no experimental evidence demonstrating its impact on protein function have been reported. No submitters have cited clinical-significance assessments for this variant to ClinVar. Based on the evidence outlined above, the variant was classified as pathogenic.